The following is an entry in ClinVar:

NM_032520.5(GNPTG):c.821dup (p.Glu275fs)

Gene: GNPTG (N-acetylglucosamine-1-phosphate transferase subunit gamma; plus strand). Cytogenetic location: 16p13.3.
Variant type: Duplication.
Coding change: c.821dup on transcript NM_032520.5 (MANE Select); coding-DNA position 821, one base duplicated (C; older notation c.821dupC).
Protein change: p.Glu275fs; shifts the reading frame from glutamic acid 275.
Molecular consequence: frameshift variant.
Genome position (GRCh38, 1-based): chr16:1,362,904, C duplicated. VCF-style (leftmost placement, unchanged base first): chr16-1362903-A-AC. GRCh37 (hg19) VCF-style: chr16-1412904-A-AC.
Other names: short protein forms E275fs.
Identifiers: ClinVar variation 5004203 (VCV005004203.1).

ClinVar aggregate classification (germline): Uncertain significance (1 of 4 stars; one submission).

Conditions:
GNPTG-mucolipidosis. Also called: Mucolipidosis type III gamma; MUCOLIPIDOSIS III, COMPLEMENTATION GROUP C; MUCOLIPIDOSIS III, IRANIAN VARIANT FORM; MUCOLIPIDOSIS III, VARIANT FORM; ML III GAMMA; ML IIIC. Identifiers: Orphanet 423470, Orphanet 577, MedGen C1854896, MONDO:0009652, OMIM 252605.

Submission:

Myriad Genetics, Inc.
Classification: Uncertain significance for GNPTG-mucolipidosis. Last evaluated: 2025-10-02. Review status: criteria provided, single submitter. Criteria: Myriad Autosomal Dominant, Autosomal Recessive and X-Linked Classification Criteria (2023). Collection method: clinical testing. Allele origin: unknown.
Comment: NM_032520.4(GNPTG):c.821dupC(E275Rfs*24) is a frameshift variant classified as a variant of uncertain significance in the context of mucolipidosis III gamma. E275Rfs*24 has not been observed in cases with relevant disease. Relevant functional assessments of this variant are not available in the literature. E275Rfs*24 has not been observed in referenced population frequency databases. In summary, there is insufficient evidence to classify NM_032520.4(GNPTG):c.821dupC(E275Rfs*24) as pathogenic or benign. Please note: this variant was assessed in the context of healthy population screening.